The following is an entry in ClinVar:

NM_006904.7(PRKDC):c.1696G>A (p.Asp566Asn)

Gene: PRKDC (protein kinase, DNA-activated, catalytic subunit; minus strand). Cytogenetic location: 8q11.21.
Variant type: single nucleotide variant.
Coding change: c.1696G>A on transcript NM_006904.7 (MANE Select); coding-DNA position 1696, G replaced by A.
Protein change: p.Asp566Asn; replaces aspartic acid 566 with asparagine.
Molecular consequence: missense variant.
Genome position (GRCh38, 1-based): chr8:47,933,100, C>T on the plus strand (G>A on the coding strand, the complement: PRKDC is on the minus strand). VCF-style: chr8-47933100-C-T. GRCh37 (hg19) VCF-style: chr8-48845660-C-T.
Other names: c.1696G>A, p.Asp566Asn (NM_001081640.2); short protein forms D566N.
Identifiers: ClinVar variation 2959764 (VCV002959764.3), dbSNP rs776984338, ClinGen allele CA4741660.

ClinVar aggregate classification (germline): Uncertain significance (1 of 4 stars; one submission).

Conditions:
Severe combined immunodeficiency due to DNA-PKcs deficiency. Also called: IMMUNODEFICIENCY 26 WITH NEUROLOGIC ABNORMALITIES; Immunodeficiency 26 with or without neurologic abnormalities. Identifiers: Orphanet 317425, MedGen C4014833, MONDO:0014423, OMIM 615966.

Allele frequency attached by ClinVar (database versions not stated): gnomAD exomes 0.00001; TOPMed 0.00001; ExAC 0.00002.
gnomAD v4.1: 3 of 1,580,382 alleles (0.00019%); highest among the groups gnomAD compares: East Asian, 0.0069%; no homozygotes.

Submission:

Labcorp Genetics (formerly Invitae), Labcorp
Classification: Uncertain significance for Severe combined immunodeficiency due to DNA-PKcs deficiency. Last evaluated: 2023-10-24. Review status: criteria provided, single submitter. Criteria: Invitae Variant Classification Sherloc (09022015). Collection method: clinical testing. Allele origin: germline.
Comment: This sequence change replaces aspartic acid, which is acidic and polar, with asparagine, which is neutral and polar, at codon 566 of the PRKDC protein (p.Asp566Asn). The frequency data for this variant in the population databases is considered unreliable, as metrics indicate poor data quality at this position in the gnomAD database. This variant has not been reported in the literature in individuals affected with PRKDC-related conditions. Advanced modeling of protein sequence and biophysical properties (such as structural, functional, and spatial information, amino acid conservation, physicochemical variation, residue mobility, and thermodynamic stability) performed at Invitae indicates that this missense variant is not expected to disrupt PRKDC protein function with a negative predictive value of 80%. In summary, the available evidence is currently insufficient to determine the role of this variant in disease. Therefore, it has been classified as a Variant of Uncertain Significance.